The following is an entry in ClinVar:

NM_005869.4(CWC27):c.140-3C>T

Gene: CWC27 (CWC27 spliceosome associated cyclophilin; plus strand). Cytogenetic location: 5q12.3.
Variant type: single nucleotide variant.
Coding change: c.140-3C>T on transcript NM_005869.4 (MANE Select); 3 bases into the intron before coding-DNA position 140, C replaced by T.
Molecular consequence: intron variant.
Genome position (GRCh38, 1-based): chr5:64,781,918, C>T. VCF-style: chr5-64781918-C-T. GRCh37 (hg19) VCF-style: chr5-64077745-C-T.
Other names: c.140-3C>T (NM_001297644.1, NM_001364478.1, NM_001318000.2 and 1 more transcripts).
Identifiers: ClinVar variation 4760467 (VCV004760467.1).

ClinVar aggregate classification (germline): Uncertain significance (1 of 4 stars; one submission).

Submission:

Labcorp Genetics (formerly Invitae), Labcorp
Classification: Uncertain significance. Last evaluated: 2025-09-23. Review status: criteria provided, single submitter. Criteria: Invitae Variant Classification Sherloc (09022015). Collection method: clinical testing. Allele origin: germline.
Comment: This sequence change falls in intron 2 of the CWC27 gene. It does not directly change the encoded amino acid sequence of the CWC27 protein. It affects a nucleotide within the consensus splice site. This variant is not present in population databases (gnomAD no frequency). This variant has not been reported in the literature in individuals affected with CWC27-related conditions. Variants that disrupt the consensus splice site are a relatively common cause of aberrant splicing (PMID: 17576681, 9536098). Algorithms developed to predict the effect of sequence changes on RNA splicing suggest that this variant is not likely to affect RNA splicing. In summary, the available evidence is currently insufficient to determine the role of this variant in disease. Therefore, it has been classified as a Variant of Uncertain Significance.

Literature cited by the submitters: PubMed 17576681; PubMed 9536098.